The following is an entry in ClinVar:

NM_130797.4(DPP6):c.883+9T>C

Gene: DPP6 (dipeptidyl peptidase like 6; plus strand). Cytogenetic location: 7q36.2.
Variant type: single nucleotide variant.
Coding change: c.883+9T>C on transcript NM_130797.4 (MANE Select); 9 bases into the intron after coding-DNA position 883, T replaced by C.
Molecular consequence: intron variant.
Genome position (GRCh38, 1-based): chr7:154,727,896, T>C. VCF-style: chr7-154727896-T-C. GRCh37 (hg19) VCF-style: chr7-154519606-T-C.
Other names: c.700+9T>C (NM_001364500.2, NM_001364499.2, NM_001364497.2 and 1 more transcripts); c.691+9T>C (NM_001364501.2, NM_001039350.3); c.697+9T>C (NM_001936.5, NM_001936.4); c.562+9T>C (NM_001290252.2).
Identifiers: ClinVar variation 1233485 (VCV001233485.6), dbSNP rs6952710, ClinGen allele CA4583315.
Genomic context (GRCh38, chr7:154,727,896, plus strand): 5'-ACTGGCAAGGAAGGTGTGATTTACAATGGCCTCAGTGACTGGCTGTATGAAGGTAAGATG[T>C]GCACAGAGAGAAAAAAGGAAGATTTGTGGTTGCTGCTGCTGCTACATTGGAGTTGGGTTC-3'

ClinVar aggregate classification (germline): Benign. Review status: criteria provided, multiple submitters, no conflicts (2 of 4 stars). 3 submissions from 3 submitters: Benign (2). 1 of the submissions does not count toward it. Last evaluated 2021-05-18.

Conditions:
DPP6-related disorder. Also called: DPP6-related condition.

Allele frequency attached by ClinVar (database versions not stated): gnomAD exomes 0.00765; ExAC 0.00892; ESP Exome Variant Server 0.02002; TOPMed 0.02221; 1000 Genomes Project 0.02336; 1000 Genomes Project 30x 0.02530.
gnomAD v4.1: 7,830 of 1,574,684 alleles (0.5%); highest among the groups gnomAD compares: African/African-American, 7%; 217 homozygotes.

Submissions (3):

GeneDx
Classification: Benign. Last evaluated: 2021-05-18. Review status: criteria provided, single submitter. Criteria: GeneDx Variant Classification Process June 2021. Collection method: clinical testing. Allele origin: germline. Affected: yes.

Breakthrough Genomics
Classification: Benign. Review status: criteria provided, single submitter. Criteria: ACMG Guidelines, 2015. Collection method: not provided. Allele origin: germline. Inheritance: Autosomal dominant inheritance. Affected: yes.

PreventionGenetics, part of Exact Sciences
Classification: Benign for DPP6-related condition. Last evaluated: 2019-03-04. Review status: no assertion criteria provided. Collection method: clinical testing. Allele origin: germline. Not counted in ClinVar's aggregate classification.
Comment: This variant is classified as benign based on ACMG/AMP sequence variant interpretation guidelines (Richards et al. 2015 PMID: 25741868, with internal and published modifications).